The following is an entry in ClinVar:

NM_005591.4(MRE11):c.2037A>G (p.Gln679=)

Gene: MRE11 (MRE11 double strand break repair nuclease; minus strand). Cytogenetic location: 11q21.
Variant type: single nucleotide variant.
Coding change: c.2037A>G on transcript NM_005591.4 (MANE Select); coding-DNA position 2037, A replaced by G.
Protein change: p.Gln679=; no amino-acid change (glutamine 679 retained).
Molecular consequence: synonymous variant.
Genome position (GRCh38, 1-based): chr11:94,429,944, T>C on the plus strand (A>G on the coding strand, the complement: MRE11 is on the minus strand). VCF-style: chr11-94429944-T-C. GRCh37 (hg19) VCF-style: chr11-94163110-T-C.
Other names: c.2034A>G, p.Gln678= (NM_001330347.2); c.1953A>G, p.Gln651= (NM_005590.4).
Identifiers: ClinVar variation 187676 (VCV000187676.10), dbSNP rs786203913, ClinGen allele CA198272.

ClinVar aggregate classification (germline): Conflicting classifications of pathogenicity. Review status: criteria provided, conflicting classifications (1 of 4 stars). 2 submissions from 2 submitters: Uncertain significance (1); Likely benign (1). Last evaluated 2022-04-05.

Conditions:
Ataxia-telangiectasia-like disorder (ATLD). Identifiers: MedGen C1858391, MONDO:0011457.
Hereditary cancer-predisposing syndrome. Also called: Neoplastic Syndromes, Hereditary; Tumor predisposition; Hereditary Cancer Syndrome; Hereditary neoplastic syndrome. Identifiers: Orphanet 140162, MedGen C0027672, MeSH D009386, MONDO:0015356.

Allele frequency attached by ClinVar (database versions not stated): gnomAD 0.00001; TOPMed 0.00001.

Submissions (2):

Labcorp Genetics (formerly Invitae), Labcorp
Classification: Uncertain significance for Ataxia-telangiectasia-like disorder. Last evaluated: 2022-04-05. Review status: criteria provided, single submitter. Criteria: Invitae Variant Classification Sherloc (09022015). Collection method: clinical testing. Allele origin: germline.
Comment: This sequence change affects codon 679 of the MRE11 mRNA. It is a 'silent' change, meaning that it does not change the encoded amino acid sequence of the MRE11 protein. This variant is present in population databases (rs786203913, gnomAD 0.008%). This variant has not been reported in the literature in individuals affected with MRE11-related conditions. ClinVar contains an entry for this variant (Variation ID: 187676). Algorithms developed to predict the effect of sequence changes on RNA splicing suggest that this variant may disrupt the consensus splice site. In summary, the available evidence is currently insufficient to determine the role of this variant in disease. Therefore, it has been classified as a Variant of Uncertain Significance.

Ambry Genetics
Classification: Likely benign for Hereditary cancer-predisposing syndrome. Last evaluated: 2014-12-18. Review status: criteria provided, single submitter. Criteria: Ambry Variant Classification Scheme 2023. Collection method: clinical testing. Allele origin: germline.